The following is an entry in ClinVar:

ClinVar aggregate classification (germline): Uncertain significance. Review status: criteria provided, multiple submitters, no conflicts (2 of 4 stars). 4 submissions from 3 submitters: Uncertain significance (4). Last evaluated 2023-11-04.

Conditions:
Retinitis pigmentosa 39 (RP39). Identifiers: Orphanet 791, MedGen C3151138, MONDO:0013436, OMIM 613809.
Usher syndrome type 2A. Also called: RETINAL DISEASE IN USHER SYNDROME TYPE IIA, MODIFIER OF; USHER SYNDROME, TYPE IIA. Identifiers: Orphanet 231178, Orphanet 886, MedGen C1848634, MONDO:0010169, OMIM 276901.

Allele frequency attached by ClinVar (database versions not stated): ExAC 0.00001; gnomAD 0.00001.
gnomAD v4.1: 5 of 1,614,066 alleles (0.00031%); highest among the groups gnomAD compares: Admixed American, 0.0083%; no homozygotes.

Submissions (4):

Genome-Nilou Lab
Classification: Uncertain significance for Retinitis pigmentosa 39. Last evaluated: 2023-11-04. Review status: criteria provided, single submitter. Criteria: ACMG Guidelines, 2015. Collection method: clinical testing. Allele origin: germline. Affected: no.

Genome-Nilou Lab
Classification: Uncertain significance for Usher syndrome type 2A. Last evaluated: 2023-11-04. Review status: criteria provided, single submitter. Criteria: ACMG Guidelines, 2015. Collection method: clinical testing. Allele origin: germline. Affected: no.

Labcorp Genetics (formerly Invitae), Labcorp
Classification: Uncertain significance. Last evaluated: 2022-10-24. Review status: criteria provided, single submitter. Criteria: Invitae Variant Classification Sherloc (09022015). Collection method: clinical testing. Allele origin: germline.
Comment: This sequence change replaces threonine, which is neutral and polar, with serine, which is neutral and polar, at codon 2670 of the USH2A protein (p.Thr2670Ser). This variant is present in population databases (rs758382005, gnomAD 0.009%). This variant has not been reported in the literature in individuals affected with USH2A-related conditions. ClinVar contains an entry for this variant (Variation ID: 1405638). Advanced modeling of protein sequence and biophysical properties (such as structural, functional, and spatial information, amino acid conservation, physicochemical variation, residue mobility, and thermodynamic stability) performed at Invitae indicates that this missense variant is not expected to disrupt USH2A protein function. In summary, the available evidence is currently insufficient to determine the role of this variant in disease. Therefore, it has been classified as a Variant of Uncertain Significance.

GeneDx
Classification: Uncertain significance. Last evaluated: 2022-06-10. Review status: criteria provided, single submitter. Criteria: GeneDx Variant Classification Process June 2021. Collection method: clinical testing. Allele origin: germline. Affected: yes.
Comment: In silico analysis supports that this missense variant does not alter protein structure/function; Has not been previously published as pathogenic or benign to our knowledge

NM_206933.4(USH2A):c.8009C>G (p.Thr2670Ser)

Gene: USH2A (usherin; minus strand). Cytogenetic location: 1q41.
Variant type: single nucleotide variant.
Coding change: c.8009C>G on transcript NM_206933.4 (MANE Select); coding-DNA position 8009, C replaced by G.
Protein change: p.Thr2670Ser; replaces threonine 2670 with serine.
Molecular consequence: missense variant.
Genome position (GRCh38, 1-based): chr1:215,888,640, G>C on the plus strand (C>G on the coding strand, the complement: USH2A is on the minus strand). VCF-style: chr1-215888640-G-C. GRCh37 (hg19) VCF-style: chr1-216061982-G-C.
Other names: short protein forms T2670S.
Identifiers: ClinVar variation 1405638 (VCV001405638.8), dbSNP rs758382005, ClinGen allele CA1394703.